The following is an entry in ClinVar:

NM_006384.4(CIB1):c.323C>T (p.Ser108Phe)

Gene: CIB1 (calcium and integrin binding 1; minus strand). Cytogenetic location: 15q26.1.
Variant type: single nucleotide variant.
Coding change: c.323C>T on transcript NM_006384.4 (MANE Select); coding-DNA position 323, C replaced by T.
Protein change: p.Ser108Phe; replaces serine 108 with phenylalanine.
Molecular consequence: missense variant. On other transcripts: non-coding transcript variant (2).
Genome position (GRCh38, 1-based): chr15:90,231,380, G>A on the plus strand (C>T on the coding strand, the complement: CIB1 is on the minus strand). VCF-style: chr15-90231380-G-A. GRCh37 (hg19) VCF-style: chr15-90774612-G-A.
Other names: c.443C>T, p.Ser148Phe (NM_001277764.2); short protein forms S108F, S148F.
Identifiers: ClinVar variation 1486988 (VCV001486988.4), dbSNP rs775594329, ClinGen allele CA7734241.

ClinVar aggregate classification (germline): Uncertain significance (1 of 4 stars; one submission).

Allele frequency attached by ClinVar (database versions not stated): ExAC 0.00001; gnomAD exomes 0.00002; TOPMed 0.00002; gnomAD 0.00003 and 0.00004.
gnomAD v4.1: 87 of 1,614,084 alleles (0.0054%); highest among the groups gnomAD compares: Non-Finnish European, 0.0068%; 1 homozygote.

Submission:

Labcorp Genetics (formerly Invitae), Labcorp
Classification: Uncertain significance. Last evaluated: 2022-08-16. Review status: criteria provided, single submitter. Criteria: Invitae Variant Classification Sherloc (09022015). Collection method: clinical testing. Allele origin: germline.
Comment: This sequence change replaces serine, which is neutral and polar, with phenylalanine, which is neutral and non-polar, at codon 148 of the CIB1 protein (p.Ser148Phe). This variant is present in population databases (rs775594329, gnomAD 0.004%). This variant has not been reported in the literature in individuals affected with CIB1-related conditions. ClinVar contains an entry for this variant (Variation ID: 1486988). Algorithms developed to predict the effect of missense changes on protein structure and function are either unavailable or do not agree on the potential impact of this missense change (SIFT: "Tolerated"; PolyPhen-2: "Not Available"; Align-GVGD: "Class C0"). In summary, the available evidence is currently insufficient to determine the role of this variant in disease. Therefore, it has been classified as a Variant of Uncertain Significance.